The following is an entry in ClinVar:

NC_000007.13:g.(?_150324807)_(152373164_?)del

Genes: ABCB8 (ATP binding cassette subfamily B member 8; plus strand), ABCF2 (ATP binding cassette subfamily F member 2; minus strand), AGAP3 (ArfGAP with GTPase domain, ankyrin repeat and PH domain 3; plus strand), AOC1 (amine oxidase copper containing 1; plus strand), ASB10 (ankyrin repeat and SOCS box containing 10; minus strand) and 27 more. Cytogenetic location: 7q36.1.
Variant type: Deletion.
Identifiers: ClinVar variation 2425237 (VCV002425237.3).

ClinVar aggregate classification (germline): Pathogenic (1 of 4 stars; one submission).

Submission:

Labcorp Genetics (formerly Invitae), Labcorp
Classification: Pathogenic. Last evaluated: 2022-04-23. Review status: criteria provided, single submitter. Criteria: Invitae Variant Classification Sherloc (09022015). Collection method: clinical testing. Allele origin: germline.
Comment: A gross deletion of the genomic region encompassing the full coding sequence of the CDK5 gene has been identified. Loss-of-function variants in CDK5 are known to be pathogenic (PMID: 25560765). The boundaries of this event are unknown as they extend beyond the assayed region for this gene and therefore may encompass additional genes. This variant has not been reported in the literature in individuals affected with CDK5-related conditions. For these reasons, this variant has been classified as Pathogenic.

Literature cited by the submitters: PubMed 25560765.